The following is an entry in ClinVar:

NM_001042492.3(NF1):c.1393-1555C>G

Gene: NF1 (neurofibromin 1; plus strand). Cytogenetic location: 17q11.2.
Variant type: single nucleotide variant.
Coding change: c.1393-1555C>G on transcript NM_001042492.3 (MANE Select); 1555 bases into the intron before coding-DNA position 1393, C replaced by G.
Molecular consequence: intron variant.
Genome position (GRCh38, 1-based): chr17:31,212,896, C>G. VCF-style: chr17-31212896-C-G. GRCh37 (hg19) VCF-style: chr17-29539914-C-G.
Other names: c.1393-1555C>G (NM_000267.4, NM_001128147.3).
Identifiers: ClinVar variation 2447120 (VCV002447120.6), dbSNP rs2544825667, ClinGen allele CA2580092768.
Genomic context (GRCh38, chr17:31,212,896, plus strand): 5'-TACACCAGCATCACTACAAACAATAACGCATTGTGCTTGGACATCACGATGGCTATGATA[C>G]TAAGTGATAGGAATTTTTCAGCTATGTTACATATTGTCTATCATTGACTGAAATGTTGTT-3'

ClinVar aggregate classification (germline): Pathogenic. Review status: criteria provided, multiple submitters, no conflicts (2 of 4 stars). 2 submissions from 2 submitters: Pathogenic (2). Last evaluated 2025-09-02.

Conditions:
Cardiovascular phenotype. Identifiers: MedGen CN230736.
Hereditary cancer-predisposing syndrome. Also called: Hereditary neoplastic syndrome; Tumor predisposition; Neoplastic Syndromes, Hereditary; Hereditary Cancer Syndrome. Identifiers: Orphanet 140162, MedGen C0027672, MeSH D009386, MONDO:0015356.
Neurofibromatosis, type 1 (NF1). Also called: Peripheral type neurofibromatosis; Neurofibromatosis, type I; VON RECKLINGHAUSEN DISEASE; NEUROFIBROMATOSIS, TYPE I, SOMATIC. Identifiers: Orphanet 636, MedGen C0027831, MONDO:0018975, OMIM 162200. Disease mechanism: loss of function.

Submissions (2):

Labcorp Genetics (formerly Invitae), Labcorp
Classification: Pathogenic for Neurofibromatosis, type 1. Last evaluated: 2025-09-02. Review status: criteria provided, single submitter. Criteria: Invitae Variant Classification Sherloc (09022015). Collection method: clinical testing. Allele origin: germline.
Comment: This sequence change falls in intron 12 of the NF1 gene. It does not directly change the encoded amino acid sequence of the NF1 protein. This variant is not present in population databases (gnomAD no frequency). This variant has been observed in individual(s) with neurofibromatosis type I (PMID: 31370276, 37186028; external communication, internal data). Invitae Evidence Modeling of clinical and family history, age, sex, and reported ancestry of multiple individuals with this NF1 variant has been performed. This variant is expected to be pathogenic with a positive predictive value of at least 99%. This is a validated machine learning model that incorporates the clinical features of 1,785,918 individuals referred to our laboratory for NF1 testing. This variant is also known as c.1393-1554C>G. ClinVar contains an entry for this variant (Variation ID: 2447120). Studies have shown that this variant alters mRNA splicing and is expected to lead to the loss of protein expression (PMID: 31370276). For these reasons, this variant has been classified as Pathogenic.

Ambry Genetics
Classification: Pathogenic for Cardiovascular phenotype; Hereditary cancer-predisposing syndrome. Last evaluated: 2025-07-09. Review status: criteria provided, single submitter. Criteria: Ambry Variant Classification Scheme 2023. Collection method: clinical testing. Allele origin: germline.
Comment: The c.1393-1555C>G intronic pathogenic mutation results from a C to G substitution 1555 nucleotides upstream from coding exon 13 in the NF1 gene. This variant was reported in individual(s) with features consistent with neurofibromatosis type 1; in at least one individual, it was determined to be de novo (Giugliano T et al. Genes (Basel), 2019 Jul;10:; Koczkowska M et al. Hum Genet, 2023 Jul;142:849-861; Ambry internal data). This nucleotide position is highly conserved in available vertebrate species. In silico splice site analysis predicts that this alteration will result in the creation or strengthening of a novel splice donor site. RNA studies have demonstrated that this alteration results in abnormal splicing (Giugliano T et al. Genes (Basel), 2019 Jul;10:; Koczkowska M et al. Hum Genet, 2023 Jul;142:849-861; Ambry internal data). This variant is considered to be rare based on population cohorts in the Genome Aggregation Database (gnomAD). Based on the supporting evidence, this variant is interpreted as a disease-causing mutation.

Literature cited by the submitters: PubMed 31370276 (cited by Labcorp Genetics (formerly Invitae), Labcorp and Ambry Genetics); PubMed 37186028 (cited by Labcorp Genetics (formerly Invitae), Labcorp and Ambry Genetics).